The following is an entry in ClinVar:

NM_000128.4(F11):c.1557G>A (p.Trp519Ter)

Genes: F11 (coagulation factor XI; plus strand), F11-AS1 (F11 antisense RNA 1; minus strand). Cytogenetic location: 4q35.2.
Variant type: single nucleotide variant.
Coding change: c.1557G>A on transcript NM_000128.4 (MANE Select); coding-DNA position 1557, G replaced by A.
Protein change: p.Trp519Ter; replaces tryptophan 519 with a stop codon.
Molecular consequence: nonsense. On other transcripts: intron variant (4).
Genome position (GRCh38, 1-based): chr4:186,286,491, G>A. VCF-style: chr4-186286491-G-A. GRCh37 (hg19) VCF-style: chr4-187207645-G-A.
Other names: c.1509G>A, p.Trp503Ter (NM_001440590.1); c.1287G>A, p.Trp429Ter (NM_001440605.1); c.1239G>A, p.Trp413Ter (NM_001440606.1); c.1480+678G>A (NM_001440593.1); c.1432+678G>A (NM_001440596.1); c.1210+678G>A (NM_001440607.1); c.1162+678G>A (NM_001440608.1); short protein forms W413*, W429*, W503*, W519*.
Identifiers: ClinVar variation 5014945 (VCV005014945.1).

ClinVar aggregate classification (germline): Pathogenic (1 of 4 stars; one submission).

Conditions:
Hereditary factor XI deficiency disease. Also called: PLASMA THROMBOPLASTIN ANTECEDENT DEFICIENCY; PTA DEFICIENCY; ROSENTHAL SYNDROME; Congenital factor XI deficiency. Identifiers: Orphanet 329, MedGen C0015523, MeSH D005173, MONDO:0012897, OMIM 612416.

gnomAD v4.1: 2 of 1,613,842 alleles (0.00012%); highest among the groups gnomAD compares: African/African-American, 0.0013%; no homozygotes.

Submission:

Myriad Genetics, Inc.
Classification: Pathogenic for Hereditary factor XI deficiency disease. Last evaluated: 2024-05-14. Review status: criteria provided, single submitter. Criteria: Myriad Autosomal Dominant, Autosomal Recessive and X-Linked Classification Criteria (2023). Collection method: clinical testing. Allele origin: unknown.
Comment: NM_000128.3(F11):c.1557G>A(W519*) is expected to be pathogenic in the context of factor XI deficiency. This variant is predicted to lead to an abnormal or absent protein product due to the creation of a premature termination codon in F11, a gene where loss-of-function variants are known to be pathogenic. Please note: this variant was assessed in the context of healthy population screening.